The following is an entry in ClinVar:

NM_000368.5(TSC1):c.211-19dup

Gene: TSC1 (TSC complex subunit 1; minus strand). Cytogenetic location: 9q34.13.
Variant type: Duplication.
Coding change: c.211-19dup on transcript NM_000368.5 (MANE Select); 19 bases into the intron before coding-DNA position 211, one base duplicated (T; older notation c.211-19dupT).
Molecular consequence: intron variant.
Genome position (GRCh38, 1-based): chr9:132,925,758, A duplicated on the plus strand (T on the coding strand, the reverse complement: TSC1 is on the minus strand); the first of 2 consecutive A bases (chr9:132,925,758-132,925,759); duplicating either gives the same sequence. VCF-style (leftmost placement, unchanged base first): chr9-132925757-C-CA. GRCh37 (hg19) VCF-style: chr9-135801144-C-CA.
Other names: c.-153-19dup (NM_001362177.2); c.210+1443dup (NM_001162427.2); c.211-19dup (NM_001162426.2).
Identifiers: ClinVar variation 2058296 (VCV002058296.5), dbSNP rs2539080129, ClinGen allele CA2580080091.

ClinVar aggregate classification (germline): Benign/Likely benign. Review status: criteria provided, multiple submitters, no conflicts (2 of 4 stars). 2 submissions from 2 submitters: Benign (1); Likely benign (1). Last evaluated 2025-04-07.

Conditions:
Tuberous sclerosis 1 (TSC1). Identifiers: Orphanet 805, MedGen C1854465, MONDO:0008612, OMIM 191100.

Submissions (2):

Myriad Genetics, Inc.
Classification: Benign for Tuberous sclerosis 1. Last evaluated: 2025-04-07. Review status: criteria provided, single submitter. Criteria: Myriad Autosomal Dominant, Autosomal Recessive and X-Linked Classification Criteria (2023). Collection method: clinical testing. Allele origin: unknown.
Comment: This variant is considered benign. This variant is intronic and is not expected to impact mRNA splicing.

Labcorp Genetics (formerly Invitae), Labcorp
Classification: Likely benign for Tuberous sclerosis 1. Last evaluated: 2022-04-20. Review status: criteria provided, single submitter. Criteria: Invitae Variant Classification Sherloc (09022015). Collection method: clinical testing. Allele origin: germline.